The following is an entry in ClinVar:

ClinVar aggregate classification (germline): Benign/Likely benign. Review status: criteria provided, multiple submitters, no conflicts (2 of 4 stars). 10 submissions from 10 submitters: Benign (7); Likely benign (2). 1 of the submissions does not count toward it. Last evaluated 2026-02-04.

Conditions:
Biotinidase deficiency. Also called: BTD deficiency; Late-onset biotin-responsive multiple carboxylase deficiency; Biotin deficiency. Identifiers: Orphanet 79241, MedGen C0220754, MONDO:0009665, OMIM 253260.

Allele frequency attached by ClinVar (database versions not stated): gnomAD 0.01110 and 0.01185; TOPMed 0.01260; ESP Exome Variant Server 0.01284; ExAC 0.00378; 1000 Genomes Project 0.01098; 1000 Genomes Project 30x 0.01109.
gnomAD v4.1: 3,508 of 1,614,132 alleles (0.22%); highest among the groups gnomAD compares: African/African-American, 3.9%; 80 homozygotes.

Submissions (10):

Labcorp Genetics (formerly Invitae), Labcorp
Classification: Benign for Biotinidase deficiency. Last evaluated: 2026-02-04. Review status: criteria provided, single submitter. Criteria: Invitae Variant Classification Sherloc (09022015). Collection method: clinical testing. Allele origin: germline.

ARUP Laboratories, Molecular Genetics and Genomics, ARUP Laboratories
Classification: Benign for Biotinidase deficiency. Last evaluated: 2025-04-02. Review status: criteria provided, single submitter. Criteria: ARUP Molecular Germline Variant Investigation Process 2024. Collection method: clinical testing. Allele origin: germline.

Laboratory for Molecular Medicine, Mass General Brigham Personalized Medicine
Classification: Likely benign. Last evaluated: 2021-11-16. Review status: criteria provided, single submitter. Criteria: ACMG Guidelines, 2015. Collection method: clinical testing. Allele origin: germline.
Comment: The p.Tyr428Tyr variant in BTD is classified as likely benign because it does not alter an amino acid residue, is not located within the splice consensus site, and computational splice prediction tools do not predict an impact on splicing. It has been identified in 3.8% (942/24956) of African chromosomes, including 15 homozygotes, by gnomAD. ACMG/AMP Criteria applied: BS1, BP4, BP7.

Quest Diagnostics Nichols Institute San Juan Capistrano
Classification: Benign. Last evaluated: 2021-07-30. Review status: criteria provided, single submitter. Criteria: Quest Diagnostics criteria. Collection method: clinical testing. Allele origin: unknown.

GeneDx
Classification: Benign. Last evaluated: 2019-10-23. Review status: criteria provided, single submitter. Criteria: GeneDx Variant Classification Process June 2021. Collection method: clinical testing. Allele origin: germline. Affected: yes.
Comment: This variant is associated with the following publications: (PMID: 15776412, 26361991, 28498829, 25174816, 25967232, 20224900, 19757147)

Center for Pediatric Genomic Medicine, Children's Mercy Hospital and Clinics
Classification: Benign. Last evaluated: 2016-12-30. Review status: criteria provided, single submitter. Criteria: ACMG Guidelines, 2015. Collection method: clinical testing. Allele origin: germline.

Eurofins Ntd Llc (ga)
Classification: Benign. Last evaluated: 2013-06-19. Review status: criteria provided, single submitter. Criteria: EGL Classification Definitions 2015. Collection method: clinical testing. Allele origin: germline. Observed: 3 variant alleles, 2 heterozygotes, 1 homozygote.

Breakthrough Genomics
Classification: Likely benign. Review status: criteria provided, single submitter. Criteria: ACMG Guidelines, 2015. Collection method: not provided. Allele origin: germline. Inheritance: Autosomal recessive inheritance. Affected: yes.

PreventionGenetics, part of Exact Sciences
Classification: Benign. Review status: criteria provided, single submitter. Criteria: ACMG Guidelines, 2015. Collection method: clinical testing. Allele origin: germline.

Counsyl
Classification: Likely benign for Biotinidase deficiency. Last evaluated: 2014-09-17. Review status: no assertion criteria provided. Collection method: literature only. Allele origin: unknown. Inheritance: Autosomal recessive inheritance. Not counted in ClinVar's aggregate classification.

Literature cited by the submitters: PubMed 15776412 (cited by Quest Diagnostics Nichols Institute San Juan Capistrano and Counsyl); PubMed 26361991 (cited by Quest Diagnostics Nichols Institute San Juan Capistrano); PubMed 25174816 (cited by Quest Diagnostics Nichols Institute San Juan Capistrano and Counsyl); PubMed 19757147 (cited by Counsyl); PubMed 20224900 (cited by Counsyl).

NM_001370658.1(BTD):c.1224C>T (p.Tyr408=)

Gene: BTD (biotinidase; plus strand). Cytogenetic location: 3p25.1.
Variant type: single nucleotide variant.
Coding change: c.1224C>T on transcript NM_001370658.1 (MANE Select); coding-DNA position 1224, C replaced by T.
Protein change: p.Tyr408=; no amino-acid change (tyrosine 408 retained).
Molecular consequence: synonymous variant. On other transcripts: intron variant (8).
Genome position (GRCh38, 1-based): chr3:15,645,140, C>T. VCF-style: chr3-15645140-C-T. GRCh37 (hg19) VCF-style: chr3-15686647-C-T.
Other names: Y428Y; c.1284C>T, p.Tyr428= (NM_000060.4); c.1224C>T, p.Tyr408= (NM_001281723.4, NM_001281724.3, NM_001281725.3 and 16 more transcripts); c.1015+209C>T (NM_001370752.1, NM_001407379.1); c.399+3083C>T (NM_001370753.1, NM_001407400.1, NM_001407380.1 and 3 more transcripts).
Identifiers: ClinVar variation 38593 (VCV000038593.22), dbSNP rs35145938, ClinGen allele CA145707.